The following is an entry in ClinVar:

NM_001377.3(DYNC2H1):c.367-2A>G

Gene: DYNC2H1 (dynein cytoplasmic 2 heavy chain 1; plus strand). Cytogenetic location: 11q22.3.
Variant type: single nucleotide variant.
Coding change: c.367-2A>G on transcript NM_001377.3 (MANE Select); the canonical splice acceptor site of the intron before coding-DNA position 367, A replaced by G.
Molecular consequence: splice acceptor variant.
Genome position (GRCh38, 1-based): chr11:103,114,101, A>G. VCF-style: chr11-103114101-A-G. GRCh37 (hg19) VCF-style: chr11-102984830-A-G.
Other names: c.367-2A>G (NM_001080463.2).
Identifiers: ClinVar variation 591376 (VCV000591376.2), dbSNP rs1291197898, ClinGen allele CA382243560.

ClinVar aggregate classification (germline): Likely pathogenic. Review status: criteria provided, single submitter (1 of 4 stars). 2 submissions from 2 submitters: Likely pathogenic (1). 1 of the submissions does not count toward it. Last evaluated 2019-09-19.

Conditions:
Jeune thoracic dystrophy. Also called: Jeune syndrome; Short-rib thoracic dysplasia; Infantile thoracic dystrophy; Thoracic pelvic phalangeal dystrophy; Jeune's syndrome; Chondroectodermal dysplasia-like syndrome. Identifiers: Orphanet 474, MedGen C0265275, MONDO:0018770.

Allele frequency attached by ClinVar (database versions not stated): gnomAD exomes below 0.00001; TOPMed below 0.00001.
gnomAD v4.1: 2 of 1,608,820 alleles (0.00012%); highest among the groups gnomAD compares: Non-Finnish European, 0.00017%; no homozygotes.

Submissions (2):

Labcorp Genetics (formerly Invitae), Labcorp
Classification: Likely pathogenic for Jeune thoracic dystrophy. Last evaluated: 2019-09-19. Review status: criteria provided, single submitter. Criteria: Invitae Variant Classification Sherloc (09022015). Collection method: clinical testing. Allele origin: germline.
Comment: This sequence change affects an acceptor splice site in intron 2 of the DYNC2H1 gene. It is expected to disrupt RNA splicing and likely results in an absent or disrupted protein product. This variant is not present in population databases (ExAC no frequency). This variant has not been reported in the literature in individuals with DYNC2H1-related conditions. ClinVar contains an entry for this variant (Variation ID: 591376). Algorithms developed to predict the effect of sequence changes on RNA splicing suggest that this variant may disrupt the consensus splice site, but this prediction has not been confirmed by published transcriptional studies. Donor and acceptor splice site variants typically lead to a loss of protein function (PMID: 16199547), and loss-of-function variants in DYNC2H1 are known to be pathogenic (PMID: 23339108). In summary, the currently available evidence indicates that the variant is pathogenic, but additional data are needed to prove that conclusively. Therefore, this variant has been classified as Likely Pathogenic.

Gharavi Laboratory, Columbia University
Classification: Uncertain significance. Last evaluated: 2018-09-16. Review status: no assertion criteria provided. Criteria: ACMG Guidelines, 2015. Collection method: research. Allele origin: germline. Affected: yes. Not counted in ClinVar's aggregate classification.

Literature cited by the submitters: PubMed 23339108 (cited by Labcorp Genetics (formerly Invitae), Labcorp).